The following is an entry in ClinVar:

NM_024577.4(SH3TC2):c.2935G>T (p.Ala979Ser)

Gene: SH3TC2 (SH3 domain and tetratricopeptide repeats 2; minus strand). Cytogenetic location: 5q32.
Variant type: single nucleotide variant.
Coding change: c.2935G>T on transcript NM_024577.4 (MANE Select); coding-DNA position 2935, G replaced by T.
Protein change: p.Ala979Ser; replaces alanine 979 with serine.
Molecular consequence: missense variant.
Genome position (GRCh38, 1-based): chr5:149,026,690, C>A on the plus strand (G>T on the coding strand, the complement: SH3TC2 is on the minus strand). VCF-style: chr5-149026690-C-A. GRCh37 (hg19) VCF-style: chr5-148406253-C-A.
Other names: short protein forms A979S.
Identifiers: ClinVar variation 575988 (VCV000575988.8), dbSNP rs369258246, ClinGen allele CA128983454.

ClinVar aggregate classification (germline): Uncertain significance. Review status: criteria provided, multiple submitters, no conflicts (2 of 4 stars). 2 submissions from 2 submitters: Uncertain significance (2). Last evaluated 2025-02-27.

Conditions:
Charcot-Marie-Tooth disease type 4. Also called: Charcot-Marie-Tooth disease, type IV; Charcot-Marie-Tooth, Type 4. Identifiers: Orphanet 64749, MedGen C4082197, MONDO:0018995.
Inborn genetic diseases. Identifiers: MedGen C0950123, MeSH D030342.

Allele frequency attached by ClinVar (database versions not stated): gnomAD exomes 0.00001.
gnomAD v4.1: 11 of 1,614,136 alleles (0.00068%); highest among the groups gnomAD compares: African/African-American, 0.011%; no homozygotes.

Submissions (2):

Ambry Genetics
Classification: Uncertain significance for Inborn genetic diseases. Last evaluated: 2025-02-27. Review status: criteria provided, single submitter. Criteria: Ambry Variant Classification Scheme 2023. Collection method: clinical testing. Allele origin: germline.

Labcorp Genetics (formerly Invitae), Labcorp
Classification: Uncertain significance for Charcot-Marie-Tooth disease type 4. Last evaluated: 2021-08-27. Review status: criteria provided, single submitter. Criteria: Invitae Variant Classification Sherloc (09022015). Collection method: clinical testing. Allele origin: germline.
Comment: This sequence change replaces alanine with serine at codon 979 of the SH3TC2 protein (p.Ala979Ser). The alanine residue is highly conserved and there is a moderate physicochemical difference between alanine and serine. This variant is not present in population databases (ExAC no frequency). This variant has not been reported in the literature in individuals affected with SH3TC2-related conditions. ClinVar contains an entry for this variant (Variation ID: 575988). Algorithms developed to predict the effect of missense changes on protein structure and function are either unavailable or do not agree on the potential impact of this missense change (SIFT: "Deleterious"; PolyPhen-2: "Possibly Damaging"; Align-GVGD: "Class C0"). In summary, the available evidence is currently insufficient to determine the role of this variant in disease. Therefore, it has been classified as a Variant of Uncertain Significance.